The following is an entry in ClinVar:

ClinVar aggregate classification (germline): Likely benign (0 of 4 stars; one submission).

Conditions:
PLXNA1-related disorder. Also called: PLXNA1-related condition.

Allele frequency attached by ClinVar (database versions not stated): ExAC 0.00001; gnomAD exomes 0.00002.

Submission:

PreventionGenetics, part of Exact Sciences
Classification: Likely benign for PLXNA1-related condition. Last evaluated: 2021-10-31. Review status: no assertion criteria provided. Collection method: clinical testing. Allele origin: germline.
Comment: This variant is classified as likely benign based on ACMG/AMP sequence variant interpretation guidelines (Richards et al. 2015 PMID: 25741868, with internal and published modifications).

NM_032242.4(PLXNA1):c.5346C>T (p.Asp1782=)

Gene: PLXNA1 (plexin A1; plus strand). Cytogenetic location: 3q21.3.
Variant type: single nucleotide variant.
Coding change: c.5346C>T on transcript NM_032242.4 (MANE Select); coding-DNA position 5346, C replaced by T.
Protein change: p.Asp1782=; no amino-acid change (aspartic acid 1782 retained).
Molecular consequence: synonymous variant.
Genome position (GRCh38, 1-based): chr3:127,032,501, C>T. VCF-style: chr3-127032501-C-T. GRCh37 (hg19) VCF-style: chr3-126751344-C-T.
Identifiers: ClinVar variation 3031306 (VCV003031306.2), dbSNP rs776928877, ClinGen allele CA2594673.